The following is an entry in ClinVar:

ClinVar aggregate classification (germline): Pathogenic (1 of 4 stars; one submission).

Conditions:
SLC35A2-congenital disorder of glycosylation. Also called: CONGENITAL DISORDER OF GLYCOSYLATION, TYPE IIm; EPILEPTIC ENCEPHALOPATHY, EARLY INFANTILE, 22; SLC35A2-CDG; DEVELOPMENTAL AND EPILEPTIC ENCEPHALOPATHY 22; CONGENITAL DISORDER OF GLYCOSYLATION, TYPE IIm, SOMATIC MOSAIC; CDG IIm. Identifiers: Orphanet 356961, MedGen C3806688, MONDO:0010478, OMIM 300896.

Submission:

Labcorp Genetics (formerly Invitae), Labcorp
Classification: Pathogenic for SLC35A2-congenital disorder of glycosylation. Last evaluated: 2022-02-03. Review status: criteria provided, single submitter. Criteria: Invitae Variant Classification Sherloc (09022015). Collection method: clinical testing. Allele origin: germline.
Comment: For these reasons, this variant has been classified as Pathogenic. This variant disrupts a region of the SLC35A2 protein in which other variant(s) (p.Phe324Leufs*25) have been determined to be pathogenic (PMID: 24115232). This suggests that this is a clinically significant region of the protein, and that variants that disrupt it are likely to be disease-causing. ClinVar contains an entry for this variant (Variation ID: 857712). This frameshift has been observed in individual(s) with SLC35A2-related conditions (Invitae). This variant is not present in population databases (gnomAD no frequency). This sequence change results in a frameshift in the SLC35A2 gene (p.Phe316Trpfs*124). While this is not anticipated to result in nonsense mediated decay, it is expected to disrupt the last 78 amino acid(s) of the SLC35A2 protein and extend the protein by 45 additional amino acid residues.

Literature cited by the submitters: PubMed 24115232.

NM_005660.3(SLC35A2):c.947_948del (p.Phe316fs)

Gene: SLC35A2 (solute carrier family 35 member A2; minus strand). Cytogenetic location: Xp11.23.
Variant type: Deletion.
Coding change: c.947_948del on transcript NM_005660.3 (MANE Select); coding-DNA positions 947 to 948, 2 bases deleted (TT; older notation c.947_948delTT).
Protein change: p.Phe316fs; shifts the reading frame from phenylalanine 316.
Molecular consequence: frameshift variant. On other transcripts: intron variant (3).
Genome position (GRCh38, 1-based): chrX:48,904,961-48,904,962, AA deleted on the plus strand (TT on the coding strand, the reverse complement: SLC35A2 is on the minus strand); deleting any 2 consecutive bases within chrX:48,904,961-48,904,963 gives the same sequence; the c. name uses the placement nearest the transcript's 3' end. VCF-style (leftmost placement, unchanged base first): chrX-48904960-CAA-C. GRCh37 (hg19) VCF-style: chrX-48762237-CAA-C.
Other names: c.947_948del, p.Phe316fs (NM_001042498.3); c.764_765del, p.Phe255fs (NM_001282649.2); c.986_987del, p.Phe329fs (NM_001282650.2); c.1031_1032del, p.Phe344fs (NM_001282651.2); c.427-70_427-69del (NM_001282647.2, NM_001032289.3); c.355-70_355-69del (NM_001282648.2); short protein forms F344fs, F329fs, F255fs, F316fs.
Identifiers: ClinVar variation 857712 (VCV000857712.10), dbSNP rs2063477918, ClinGen allele CA916083952.